The following is an entry in ClinVar:

ClinVar aggregate classification (germline): Conflicting classifications of pathogenicity. Review status: criteria provided, conflicting classifications (1 of 4 stars). 15 submissions from 15 submitters: Uncertain significance (1); Benign (3); Likely benign (9). 2 of the submissions do not count toward it. Last evaluated 2026-02-01.

Conditions:
Ehlers-Danlos syndrome, classic type, 1 (EDSCL1). Also called: EHLERS-DANLOS SYNDROME, GRAVIS TYPE; EHLERS-DANLOS SYNDROME, SEVERE CLASSIC TYPE; Ehlers-Danlos syndrome, type 1; Ehlers-Danlos Syndrome, Classic Type, COL5A1-Related; EDS I. Identifiers: MedGen C0268335, MONDO:0019567, OMIM 130000.
Ehlers-Danlos syndrome, classic type, 2 (EDSCL2). Also called: Ehlers-Danlos syndrome type 2 (formerly); Ehlers-Danlos syndrome, type 2; Ehlers-Danlos Syndrome, Classic Type, COL5A2-Related. Identifiers: Orphanet 287, Orphanet 90318, MedGen C0268336, MONDO:0019568, OMIM 130010.
Familial thoracic aortic aneurysm and aortic dissection (TAAD). Also called: Thoracic aortic aneurysms and dissections. Identifiers: Orphanet 91387, MedGen C4707243, MONDO:0019625.

Allele frequency attached by ClinVar (database versions not stated): gnomAD 0.00026 and 0.00027; gnomAD exomes 0.00031 and 0.00032; TOPMed 0.00031; ExAC 0.00033.
gnomAD v4.1: 507 of 1,611,962 alleles (0.031%); highest among the groups gnomAD compares: Middle Eastern, 0.43%; no homozygotes.

Submissions (15):

Labcorp Genetics (formerly Invitae), Labcorp
Classification: Likely benign for Ehlers-Danlos syndrome, classic type, 1. Last evaluated: 2026-02-01. Review status: criteria provided, single submitter. Criteria: Invitae Variant Classification Sherloc (09022015). Collection method: clinical testing. Allele origin: germline.

Mayo Clinic Laboratories, Mayo Clinic
Classification: Likely benign. Last evaluated: 2025-05-16. Review status: criteria provided, single submitter. Criteria: ACMG Guidelines, 2015. Collection method: clinical testing. Allele origin: germline. Observed: 4 variant alleles.
Comment: BS1, BP4, BP7

Molecular Diagnostic Laboratory for Inherited Cardiovascular Disease, Montreal Heart Institute
Classification: Likely benign. Last evaluated: 2025-04-09. Review status: criteria provided, single submitter. Criteria: ACMG Guidelines, 2015. Collection method: clinical testing. Allele origin: germline. Affected: no.
Comment: BP6;BP7

Women's Health and Genetics/Laboratory Corporation of America, LabCorp
Classification: Benign. Last evaluated: 2024-11-29. Review status: criteria provided, single submitter. Criteria: LabCorp Variant Classification Summary - May 2015. Collection method: clinical testing. Allele origin: germline.

Blueprint Genetics
Classification: Likely benign. Last evaluated: 2024-11-21. Review status: criteria provided, single submitter. Criteria: ACMG Guidelines, 2015. Collection method: clinical testing. Allele origin: germline.

CeGaT Center for Human Genetics Tuebingen
Classification: Likely benign. Last evaluated: 2024-01-01. Review status: criteria provided, single submitter. Criteria: CeGaT Center For Human Genetics Tuebingen Variant Classification Criteria Version 2. Collection method: clinical testing. Allele origin: germline. Affected: yes. Observed: 1 variant allele.
Comment: COL5A2: BP4, BS2

Center for Genomics, Ann and Robert H. Lurie Children's Hospital of Chicago
Classification: Likely benign for Ehlers-Danlos syndrome, classic type, 2. Last evaluated: 2022-08-29. Review status: criteria provided, single submitter. Criteria: ACMG Guidelines, 2015. Collection method: clinical testing. Allele origin: germline.
Comment: This variant has not been reported in the literature but is present in the Genome Aggregation Database (Highest reported MAF: 0.09% [26/30026]), and in ClinVar, with classifications ranging from uncertain significance to benign (Variation ID:213090). Of note, this is a silent variant and does not change the amino acid and is not predicted to impact splicing, reducing the probability that this variant is disease-causing. In summary, data on this variant suggests that this variant does not cause disease but requires further evidence. Therefore, this variant is classified as likely benign.

ARUP Laboratories, Molecular Genetics and Genomics, ARUP Laboratories
Classification: Benign. Last evaluated: 2018-02-20. Review status: criteria provided, single submitter. Criteria: ARUP Molecular Germline Variant Investigation Process. Collection method: clinical testing. Allele origin: germline.

Illumina Laboratory Services, Illumina
Classification: Likely benign for Ehlers-Danlos syndrome, classic type, 2. Last evaluated: 2018-01-12. Review status: criteria provided, single submitter. Criteria: ICSL Variant Classification Criteria 13 December 2019. Collection method: clinical testing. Allele origin: germline.
Comment: This variant was observed in the ICSL laboratory as part of a predisposition screen in an ostensibly healthy population. It had not been previously curated by ICSL or reported in the Human Gene Mutation Database (HGMD: prior to June 1st, 2018), and was therefore a candidate for classification through an automated scoring system. Utilizing variant allele frequency, disease prevalence and penetrance estimates, and inheritance mode, an automated score was calculated to assess if this variant is too frequent to cause the disease. Based on the score and internal cut-off values, a variant classified as likely benign is not then subjected to further curation. The score for this variant resulted in a classification of likely benign for this disease.

Ambry Genetics
Classification: Likely benign for Familial thoracic aortic aneurysm and aortic dissection. Last evaluated: 2017-03-09. Review status: criteria provided, single submitter. Criteria: Ambry Variant Classification Scheme 2023. Collection method: clinical testing. Allele origin: germline.

Eurofins Ntd Llc (ga)
Classification: Uncertain significance. Last evaluated: 2016-09-01. Review status: criteria provided, single submitter. Criteria: EGL Classification Definitions 2015. Collection method: clinical testing. Allele origin: germline. Observed: 1 variant allele, 1 heterozygote.

GeneDx
Classification: Benign. Last evaluated: 2015-01-22. Review status: criteria provided, single submitter. Criteria: GeneDx Variant Classification (06012015). Collection method: clinical testing. Allele origin: germline. Affected: yes.
Comment: This variant is considered likely benign or benign based on one or more of the following criteria: it is a conservative change, it occurs at a poorly conserved position in the protein, it is predicted to be benign by multiple in silico algorithms, and/or has population frequency not consistent with disease.

PreventionGenetics, part of Exact Sciences
Classification: Likely benign. Review status: criteria provided, single submitter. Criteria: ACMG Guidelines, 2015. Collection method: clinical testing. Allele origin: germline.

Clinical Genetics DNA and cytogenetics Diagnostics Lab, Erasmus MC, Erasmus Medical Center
Classification: Likely benign. Review status: no assertion criteria provided. Collection method: clinical testing. Allele origin: germline. Affected: yes. Study: VKGL Data-share Consensus. Not counted in ClinVar's aggregate classification.

Genome Diagnostics Laboratory, University Medical Center Utrecht
Classification: Likely benign. Review status: no assertion criteria provided. Collection method: clinical testing. Allele origin: germline. Affected: yes. Study: VKGL Data-share Consensus. Not counted in ClinVar's aggregate classification.

NM_000393.5(COL5A2):c.75A>G (p.Lys25=)

Gene: COL5A2 (collagen type V alpha 2 chain; minus strand). Cytogenetic location: 2q32.2.
Variant type: single nucleotide variant.
Coding change: c.75A>G on transcript NM_000393.5 (MANE Select); coding-DNA position 75, A replaced by G.
Protein change: p.Lys25=; no amino-acid change (lysine 25 retained).
Molecular consequence: synonymous variant.
Genome position (GRCh38, 1-based): chr2:189,179,530, T>C on the plus strand (A>G on the coding strand, the complement: COL5A2 is on the minus strand). VCF-style: chr2-189179530-T-C. GRCh37 (hg19) VCF-style: chr2-190044256-T-C.
Other names: p.K25K:AAA>AAG; p.Lys25=; c.75A>G (NM_000393.4).
Identifiers: ClinVar variation 213090 (VCV000213090.67), dbSNP rs549894501, ClinGen allele CA322177.